The following is an entry in ClinVar:

ClinVar aggregate classification (germline): Uncertain significance. Review status: criteria provided, multiple submitters, no conflicts (2 of 4 stars). 3 submissions from 3 submitters: Uncertain significance (3). Last evaluated 2026-07-03.

Conditions:
Cardiovascular phenotype. Identifiers: MedGen CN230736.
Naxos disease (NXD). Also called: CARDIOMYOPATHY, ARRHYTHMOGENIC RIGHT VENTRICULAR, WITH SKIN, HAIR, AND NAIL ABNORMALITIES; KERATOSIS PALMOPLANTARIS WITH ARRHYTHMOGENIC CARDIOMYOPATHY; MAL DE NAXOS; PALMOPLANTAR KERATODERMA WITH ARRHYTHMOGENIC RIGHT VENTRICULAR CARDIOMYOPATHY AND WOOLLY HAIR; WOOLLY HAIR, PALMOPLANTAR KERATODERMA, AND CARDIAC ABNORMALITIES. Identifiers: Orphanet 34217, MedGen C1832600, MONDO:0011017, OMIM 601214.
Arrhythmogenic right ventricular dysplasia 12. Also called: ARRHYTHMOGENIC RIGHT VENTRICULAR DYSPLASIA, FAMILIAL, 12. Identifiers: MedGen C1969081, MONDO:0012684, OMIM 611528.

Allele frequency attached by ClinVar (database versions not stated): gnomAD exomes 0.00001; ExAC 0.00001.
gnomAD v4.1: 21 of 1,612,070 alleles (0.0013%); highest among the groups gnomAD compares: Middle Eastern, 0.016%; no homozygotes.

Submissions (3):

Ambry Genetics
Classification: Uncertain significance for Cardiovascular phenotype. Last evaluated: 2026-07-03. Review status: criteria provided, single submitter. Criteria: Ambry Variant Classification Scheme 2023. Collection method: clinical testing. Allele origin: germline.

Labcorp Genetics (formerly Invitae), Labcorp
Classification: Uncertain significance for Arrhythmogenic right ventricular dysplasia 12; Naxos disease. Last evaluated: 2025-09-22. Review status: criteria provided, single submitter. Criteria: Invitae Variant Classification Sherloc (09022015). Collection method: clinical testing. Allele origin: germline.
Comment: This sequence change replaces arginine, which is basic and polar, with cysteine, which is neutral and slightly polar, at codon 191 of the JUP protein (p.Arg191Cys). This variant is present in population databases (rs781905238, gnomAD 0.003%). This variant has not been reported in the literature in individuals affected with JUP-related conditions. ClinVar contains an entry for this variant (Variation ID: 1476469). An algorithm developed to predict the effect of missense changes on protein structure and function (PolyPhen-2) suggests that this variant is likely to be tolerated. In summary, the available evidence is currently insufficient to determine the role of this variant in disease. Therefore, it has been classified as a Variant of Uncertain Significance.

ARUP Laboratories, Molecular Genetics and Genomics, ARUP Laboratories
Classification: Uncertain significance. Last evaluated: 2025-01-29. Review status: criteria provided, single submitter. Criteria: ARUP Molecular Germline Variant Investigation Process 2024. Collection method: clinical testing. Allele origin: germline.
Comment: The JUP c.571C>T; p.Arg191Cys variant (rs267607561, ClinVar Variation ID: 1476469) is reported in the literature in one individual affected with systemic capillary leak syndrome (Pierce 2019), but it has not, to our knowledge, been reported in individuals affected with cardiomyopathy. This variant is only observed on four alleles in the Genome Aggregation Database (v2.1.1), indicating it is not a common polymorphism. Computational analyses are uncertain whether this variant is neutral or deleterious (REVEL: 0.497). Due to limited information, the clinical significance of this variant is uncertain at this time. References: Pierce R et al. Whole-Exome Sequencing of Adult and Pediatric Cohorts of the Rare Vascular Disorder Systemic Capillary Leak Syndrome. Shock. 2019 Aug;52(2):183-190. PMID: 30289850

NM_002230.4(JUP):c.571C>T (p.Arg191Cys)

Gene: JUP (junction plakoglobin; minus strand). Cytogenetic location: 17q21.2.
Variant type: single nucleotide variant.
Coding change: c.571C>T on transcript NM_002230.4 (MANE Select); coding-DNA position 571, C replaced by T.
Protein change: p.Arg191Cys; replaces arginine 191 with cysteine.
Molecular consequence: missense variant.
Genome position (GRCh38, 1-based): chr17:41,769,105, G>A on the plus strand (C>T on the coding strand, the complement: JUP is on the minus strand). VCF-style: chr17-41769105-G-A. GRCh37 (hg19) VCF-style: chr17-39925357-G-A.
Other names: c.571C>T, p.Arg191Cys (NM_001352773.2, NM_001352774.2, NM_001352775.2 and 3 more transcripts); short protein forms R191C.
Identifiers: ClinVar variation 1476469 (VCV001476469.12), dbSNP rs781905238, ClinGen allele CA8565442.